The following is an entry in ClinVar:

NM_001991.5(EZH1):c.1492A>G (p.Arg498Gly)

Gene: EZH1 (enhancer of zeste 1 polycomb repressive complex 2 subunit; minus strand). Cytogenetic location: 17q21.2.
Variant type: single nucleotide variant.
Coding change: c.1492A>G on transcript NM_001991.5 (MANE Select); coding-DNA position 1492, A replaced by G.
Protein change: p.Arg498Gly; replaces arginine 498 with glycine.
Molecular consequence: missense variant.
Genome position (GRCh38, 1-based): chr17:42,709,847, T>C on the plus strand (A>G on the coding strand, the complement: EZH1 is on the minus strand). VCF-style: chr17-42709847-T-C. GRCh37 (hg19) VCF-style: chr17-40861865-T-C.
Other names: c.1510A>G, p.Arg504Gly (NM_001321079.2); c.1465A>G, p.Arg489Gly (NM_001321081.2); c.1372A>G, p.Arg458Gly (NM_001321082.2); short protein forms R458G, R489G, R498G, R504G.
Identifiers: ClinVar variation 4531130 (VCV004531130.1).

ClinVar aggregate classification (germline): Uncertain significance (1 of 4 stars; one submission).

Submission:

GeneDx
Classification: Uncertain significance. Last evaluated: 2025-05-24. Review status: criteria provided, single submitter. Criteria: GeneDx Variant Classification Process June 2021. Collection method: clinical testing. Allele origin: germline. Affected: yes.
Comment: Not observed at significant frequency in large population cohorts (gnomAD); In silico analysis supports that this missense variant has a deleterious effect on protein structure/function; In silico analysis supports a deleterious effect on splicing; Has not been previously published as pathogenic or benign to our knowledge